The following is an entry in ClinVar:

ClinVar aggregate classification (germline): Uncertain significance (1 of 4 stars; one submission).

Submission:

Labcorp Genetics (formerly Invitae), Labcorp
Classification: Uncertain significance. Last evaluated: 2025-03-26. Review status: criteria provided, single submitter. Criteria: Invitae Variant Classification Sherloc (09022015). Collection method: clinical testing. Allele origin: germline.
Comment: This sequence change replaces threonine, which is neutral and polar, with isoleucine, which is neutral and non-polar, at codon 924 of the TOPORS protein (p.Thr924Ile). This variant is not present in population databases (gnomAD no frequency). This variant has not been reported in the literature in individuals affected with TOPORS-related conditions. An algorithm developed to predict the effect of missense changes on protein structure and function outputs the following: PolyPhen-2: "Not Available". The isoleucine amino acid residue is found in multiple mammalian species, which suggests that this missense change does not adversely affect protein function. In summary, the available evidence is currently insufficient to determine the role of this variant in disease. Therefore, it has been classified as a Variant of Uncertain Significance.

NM_005802.5(TOPORS):c.2771C>T (p.Thr924Ile)

Gene: TOPORS (TOP1 binding arginine/serine rich protein, E3 ubiquitin ligase; minus strand). Cytogenetic location: 9p21.1.
Variant type: single nucleotide variant.
Coding change: c.2771C>T on transcript NM_005802.5 (MANE Select); coding-DNA position 2771, C replaced by T.
Protein change: p.Thr924Ile; replaces threonine 924 with isoleucine.
Molecular consequence: missense variant.
Genome position (GRCh38, 1-based): chr9:32,541,754, G>A on the plus strand (C>T on the coding strand, the complement: TOPORS is on the minus strand). VCF-style: chr9-32541754-G-A. GRCh37 (hg19) VCF-style: chr9-32541752-G-A.
Other names: c.2576C>T, p.Thr859Ile (NM_001195622.2); short protein forms T859I, T924I.
Identifiers: ClinVar variation 4779297 (VCV004779297.1).
Genomic context (GRCh38, chr9:32,541,754, plus strand): 5'-AAGGAAGGAGCCAAAAACTCATTTTGTAGAGGGTCTTGAGGACCACTATTGTCACATTCT[G>A]TATCCTCCTTTACTTCAGAATCCTTATCACTGTCACTGTCAATGGTAATTACAACTGGGG-3'
Protein context (NP_005793.2, residues 914-934): SDKDSEVKED[Thr924Ile]ECDNSGPQDP